The following is an entry in ClinVar:

ClinVar aggregate classification (germline): Pathogenic (1 of 4 stars; one submission).

Conditions:
Familial adenomatous polyposis 1 (FAP1). Also called: FAMILIAL ADENOMATOUS POLYPOSIS 1, ATTENUATED; POLYPOSIS, ADENOMATOUS INTESTINAL. Identifiers: MedGen C2713442, MONDO:0021056, OMIM 175100. Disease mechanism: loss of function.

Submission:

Myriad Genetics, Inc.
Classification: Pathogenic for Familial adenomatous polyposis 1. Last evaluated: 2023-04-26. Review status: criteria provided, single submitter. Criteria: Myriad Autosomal Dominant, Autosomal Recessive and X-Linked Classification Criteria (2023). Collection method: clinical testing. Allele origin: unknown.
Comment: This variant is considered pathogenic. This variant creates a frameshift predicted to result in premature protein truncation.

NM_000038.6(APC):c.566del (p.Leu189fs)

Gene: APC (APC regulator of Wnt signaling pathway; plus strand). Cytogenetic location: 5q22.2.
Variant type: Deletion.
Coding change: c.566del on transcript NM_000038.6 (MANE Select); coding-DNA position 566, one base deleted (T; older notation c.566delT).
Protein change: p.Leu189fs; shifts the reading frame from leucine 189.
Molecular consequence: frameshift variant. On other transcripts: non-coding transcript variant (2), 5 prime UTR variant (4).
Genome position (GRCh38, 1-based): chr5:112,780,824, T deleted; the last of 2 consecutive T bases (chr5:112,780,823-112,780,824); deleting either gives the same sequence. VCF-style (leftmost placement, unchanged base first): chr5-112780822-AT-A. GRCh37 (hg19) VCF-style: chr5-112116519-AT-A.
Other names: c.566del, p.Leu189fs (NM_001407467.1, NM_001407469.1, NM_001127510.3 and 16 more transcripts); c.-470del (NM_001407471.1, NM_001407470.1, NM_001407472.1 and 1 more transcripts); c.596del, p.Leu199fs (NM_001127511.3, NM_001354897.2, NM_001354902.2 and 1 more transcripts); c.491del, p.Leu164fs (NM_001354898.2, NM_001354904.2, NM_001407451.1); c.389del, p.Leu130fs (NM_001354900.2, NM_001354901.2, NM_001354905.2 and 1 more transcripts); short protein forms L130fs, L164fs, L189fs, L199fs.
Identifiers: ClinVar variation 2584024 (VCV002584024.2), dbSNP rs2532486280, ClinGen allele CA2582341597.